The following is an entry in ClinVar:

NM_001270454.2(WWP2):c.1449G>A (p.Thr483=)

Gene: WWP2 (WW domain containing E3 ubiquitin protein ligase 2; plus strand). Cytogenetic location: 16q22.1.
Variant type: single nucleotide variant.
Coding change: c.1449G>A on transcript NM_001270454.2 (MANE Select); coding-DNA position 1449, G replaced by A.
Protein change: p.Thr483=; no amino-acid change (threonine 483 retained).
Molecular consequence: synonymous variant.
Genome position (GRCh38, 1-based): chr16:69,931,155, G>A. VCF-style: chr16-69931155-G-A. GRCh37 (hg19) VCF-style: chr16-69965058-G-A.
Other names: c.1449G>A, p.Thr483= (NM_007014.5); c.132G>A, p.Thr44= (NM_199424.3); c.1101G>A, p.Thr367= (NM_001270453.2).
Identifiers: ClinVar variation 3389269 (VCV003389269.14).

ClinVar aggregate classification (germline): Likely benign (1 of 4 stars; one submission).

gnomAD v4.1: 2 of 1,614,128 alleles (0.00012%); highest among the groups gnomAD compares: East Asian, 0.0022%; no homozygotes.

Submission:

CeGaT Center for Human Genetics Tuebingen
Classification: Likely benign. Last evaluated: 2024-09-01. Review status: criteria provided, single submitter. Criteria: CeGaT Center For Human Genetics Tuebingen Variant Classification Criteria Version 2. Collection method: clinical testing. Allele origin: germline. Affected: yes. Observed: 1 variant allele.
Comment: WWP2: BP4, BP7